The following is an entry in ClinVar:

ClinVar aggregate classification (germline): Uncertain significance (1 of 4 stars; one submission).

Conditions:
Nemaline myopathy 2 (NEM2). Also called: Nemaline myopathy 2, autosomal recessive. Identifiers: MedGen C1850569, MONDO:0009725, OMIM 256030.

gnomAD v4.1: 2 of 1,613,662 alleles (0.00012%); highest among the groups gnomAD compares: African/African-American, 0.0013%; no homozygotes.

Submission:

Labcorp Genetics (formerly Invitae), Labcorp
Classification: Uncertain significance for Nemaline myopathy 2. Last evaluated: 2022-06-05. Review status: criteria provided, single submitter. Criteria: Invitae Variant Classification Sherloc (09022015). Collection method: clinical testing. Allele origin: germline.
Comment: This sequence change replaces arginine, which is basic and polar, with leucine, which is neutral and non-polar, at codon 1717 of the NEB protein (p.Arg1717Leu). This variant is not present in population databases (gnomAD no frequency). This variant has not been reported in the literature in individuals affected with NEB-related conditions. ClinVar contains an entry for this variant (Variation ID: 1348318). Algorithms developed to predict the effect of missense changes on protein structure and function are either unavailable or do not agree on the potential impact of this missense change (SIFT: "Deleterious"; PolyPhen-2: "Not Available"; Align-GVGD: "Class C0"). In summary, the available evidence is currently insufficient to determine the role of this variant in disease. Therefore, it has been classified as a Variant of Uncertain Significance.

NM_001164508.2(NEB):c.5150G>T (p.Arg1717Leu)

Gene: NEB (nebulin; minus strand). Cytogenetic location: 2q23.3.
Variant type: single nucleotide variant.
Coding change: c.5150G>T on transcript NM_001164508.2 (MANE Select); coding-DNA position 5150, G replaced by T.
Protein change: p.Arg1717Leu; replaces arginine 1717 with leucine.
Molecular consequence: missense variant.
Genome position (GRCh38, 1-based): chr2:151,665,421, C>A on the plus strand (G>T on the coding strand, the complement: NEB is on the minus strand). VCF-style: chr2-151665421-C-A. GRCh37 (hg19) VCF-style: chr2-152521935-C-A.
Other names: c.5150G>T, p.Arg1717Leu (NM_001164507.2, NM_001271208.2, NM_004543.5); short protein forms R1717L.
Identifiers: ClinVar variation 1348318 (VCV001348318.3), dbSNP rs747091795, ClinGen allele CA348812209.
Genomic context (GRCh38, chr2:151,665,421, plus strand): 5'-TTAAGTGCCTGTTCCATTGTGTCCATGGCGTAAGTGAACTTCAGCTTCTCGGGGTGCTGG[C>A]GATACTTCTTCTCACTAAGAATCTCTCCTGCTTTCTTTGCCTTCTCCACCTCCAGGGACT-3'
Protein context (NP_001157980.2, residues 1707-1727): AGEILSEKKY[Arg1717Leu]QHPEKLKFTY